The following is an entry in ClinVar:

ClinVar aggregate classification (germline): Likely pathogenic (1 of 4 stars; one submission).

Conditions:
Nemaline myopathy 2 (NEM2). Also called: Nemaline myopathy 2, autosomal recessive. Identifiers: MedGen C1850569, MONDO:0009725, OMIM 256030.

Allele frequency attached by ClinVar (database versions not stated): gnomAD exomes below 0.00001; gnomAD 0.00001; 1000 Genomes Project 30x 0.00016; 1000 Genomes Project 0.00020.
gnomAD v4.1: 6 of 1,612,028 alleles (0.00037%); highest among the groups gnomAD compares: East Asian, 0.0022%; no homozygotes.

Submission:

Labcorp Genetics (formerly Invitae), Labcorp
Classification: Likely pathogenic for Nemaline myopathy 2. Last evaluated: 2021-08-06. Review status: criteria provided, single submitter. Criteria: Invitae Variant Classification Sherloc (09022015). Collection method: clinical testing. Allele origin: germline.
Comment: In summary, the currently available evidence indicates that the variant is pathogenic, but additional data are needed to prove that conclusively. Therefore, this variant has been classified as Likely Pathogenic. Algorithms developed to predict the effect of sequence changes on RNA splicing suggest that this variant may disrupt the consensus splice site. This variant has not been reported in the literature in individuals affected with NEB-related conditions. This variant is not present in population databases (ExAC no frequency). This sequence change affects a donor splice site in intron 151 of the NEB gene. It is expected to disrupt RNA splicing. Variants that disrupt the donor or acceptor splice site typically lead to a loss of protein function (PMID: 16199547), and loss-of-function variants in NEB are known to be pathogenic (PMID: 25205138).

Literature cited by the submitters: PubMed 16199547; PubMed 25205138.

NM_001164508.2(NEB):c.22161+1G>A

Genes: NEB (nebulin; minus strand), RIF1 (replication timing regulatory factor 1; plus strand). Cytogenetic location: 2q23.3.
Variant type: single nucleotide variant.
Coding change: c.22161+1G>A on transcript NM_001164508.2 (MANE Select); the canonical splice donor site of the intron after coding-DNA position 22161, G replaced by A.
Molecular consequence: splice donor variant.
Genome position (GRCh38, 1-based): chr2:151,525,957, C>T on the plus strand (G>A on the coding strand, the complement: NEB is on the minus strand). VCF-style: chr2-151525957-C-T. GRCh37 (hg19) VCF-style: chr2-152382471-C-T.
Other names: c.17058+1G>A (NM_004543.5); c.22161+1G>A (NM_001164507.2); c.22266+1G>A (NM_001271208.2).
Identifiers: ClinVar variation 1482691 (VCV001482691.6), dbSNP rs112933443, ClinGen allele CA57626002.
Genomic context (GRCh38, chr2:151,525,957, plus strand): 5'-CACCAGATTCTACAGTCAAGTGGCATTGTTGCTGCCAAGAGACCGGTGGTTGATCACTTA[C>T]ATCACTGACATGCTTGGTCACTTCCTTGACGTGAACAGTGTCCCGGGTCTCTGGTAGTGT-3'